The following is an entry in ClinVar:

NM_001199138.2(NLRC4):c.926T>A (p.Ile309Asn)

Gene: NLRC4 (NLR family CARD domain containing 4; minus strand). Cytogenetic location: 2p22.3.
Variant type: single nucleotide variant.
Coding change: c.926T>A on transcript NM_001199138.2 (MANE Select); coding-DNA position 926, T replaced by A.
Protein change: p.Ile309Asn; replaces isoleucine 309 with asparagine.
Molecular consequence: missense variant. On other transcripts: intron variant (1).
Genome position (GRCh38, 1-based): chr2:32,250,938, A>T on the plus strand (T>A on the coding strand, the complement: NLRC4 is on the minus strand). VCF-style: chr2-32250938-A-T. GRCh37 (hg19) VCF-style: chr2-32476007-A-T.
Other names: c.926T>A, p.Ile309Asn (NM_001199139.2, NM_021209.5); c.262+1481T>A (NM_001302504.1); short protein forms I309N.
Identifiers: ClinVar variation 954585 (VCV000954585.10), dbSNP rs1687060135, ClinGen allele CA346513961.

ClinVar aggregate classification (germline): Uncertain significance. Review status: criteria provided, multiple submitters, no conflicts (2 of 4 stars). 2 submissions from 2 submitters: Uncertain significance (2). Last evaluated 2025-07-15.

Conditions:
Periodic fever-infantile enterocolitis-autoinflammatory syndrome. Also called: Autoinflammation with infantile enterocolitis. Identifiers: Orphanet 436166, MedGen C4015067, MONDO:0014472, OMIM 616050.
Familial cold autoinflammatory syndrome 4 (FCAS4). Identifiers: Orphanet 47045, Orphanet 576349, MedGen C4015276, MONDO:0014498, OMIM 616115.
Inborn genetic diseases. Identifiers: MedGen C0950123, MeSH D030342.

Allele frequency attached by ClinVar (database versions not stated): gnomAD exomes below 0.00001.

Submissions (2):

Ambry Genetics
Classification: Uncertain significance for Inborn genetic diseases. Last evaluated: 2025-07-15. Review status: criteria provided, single submitter. Criteria: Ambry Variant Classification Scheme 2023. Collection method: clinical testing. Allele origin: germline.

Labcorp Genetics (formerly Invitae), Labcorp
Classification: Uncertain significance for Periodic fever-infantile enterocolitis-autoinflammatory syndrome; Familial cold autoinflammatory syndrome 4. Last evaluated: 2019-10-21. Review status: criteria provided, single submitter. Criteria: Invitae Variant Classification Sherloc (09022015). Collection method: clinical testing. Allele origin: germline.
Comment: Algorithms developed to predict the effect of missense changes on protein structure and function are either unavailable or do not agree on the potential impact of this missense change (SIFT: "Deleterious"; PolyPhen-2: "Probably Damaging"; Align-GVGD: "Class C0"). This variant has not been reported in the literature in individuals with NLRC4-related conditions. This variant is not present in population databases (ExAC no frequency). This sequence change replaces isoleucine with asparagine at codon 309 of the NLRC4 protein (p.Ile309Asn). The isoleucine residue is highly conserved and there is a large physicochemical difference between isoleucine and asparagine. In summary, the available evidence is currently insufficient to determine the role of this variant in disease. Therefore, it has been classified as a Variant of Uncertain Significance.